The following is an entry in ClinVar:

NM_000037.4(ANK1):c.3762G>A (p.Gly1254=)

Gene: ANK1 (ankyrin 1; minus strand). Cytogenetic location: 8p11.21.
Variant type: single nucleotide variant.
Coding change: c.3762G>A on transcript NM_000037.4 (MANE Select); coding-DNA position 3762, G replaced by A.
Protein change: p.Gly1254=; no amino-acid change (glycine 1254 retained).
Molecular consequence: synonymous variant.
Genome position (GRCh38, 1-based): chr8:41,692,744, C>T on the plus strand (G>A on the coding strand, the complement: ANK1 is on the minus strand). VCF-style: chr8-41692744-C-T. GRCh37 (hg19) VCF-style: chr8-41550262-C-T.
Other names: c.3885G>A, p.Gly1295= (NM_001142446.2); c.3762G>A, p.Gly1254= (NM_020475.3, NM_020476.3, NM_020477.3).
Identifiers: ClinVar variation 3027037 (VCV003027037.22), dbSNP rs1380578454, ClinGen allele CA460782366.

ClinVar aggregate classification (germline): Likely benign (1 of 4 stars; one submission).

Allele frequency attached by ClinVar (database versions not stated): gnomAD 0.00001; TOPMed 0.00001.
gnomAD v4.1: 2 of 1,613,998 alleles (0.00012%); highest among the groups gnomAD compares: African/African-American, 0.0027%; no homozygotes.

Submission:

CeGaT Center for Human Genetics Tuebingen
Classification: Likely benign. Last evaluated: 2024-02-01. Review status: criteria provided, single submitter. Criteria: CeGaT Center For Human Genetics Tuebingen Variant Classification Criteria Version 2. Collection method: clinical testing. Allele origin: germline. Affected: yes. Observed: 1 variant allele.
Comment: ANK1: BP4, BP7